The following is an entry in ClinVar:

ClinVar aggregate classification (germline): Uncertain significance (1 of 4 stars; one submission).

Conditions:
Inborn genetic diseases. Identifiers: MedGen C0950123, MeSH D030342.

Submission:

Ambry Genetics
Classification: Uncertain significance for Inborn genetic diseases. Last evaluated: 2026-05-24. Review status: criteria provided, single submitter. Criteria: Ambry Variant Classification Scheme 2023. Collection method: clinical testing. Allele origin: germline.
Comment: The p.Q228E variant (also known as c.682C>G), located in coding exon 6 of the CEP57 gene, results from a C to G substitution at nucleotide position 682. The glutamine at codon 228 is replaced by glutamic acid, an amino acid with highly similar properties. This amino acid position is conserved. In addition, the in silico prediction for this alteration is inconclusive. Based on the available evidence, the clinical significance of this variant remains unclear.

NM_014679.5(CEP57):c.682C>G (p.Gln228Glu)

Gene: CEP57 (centrosomal protein 57; plus strand). Cytogenetic location: 11q21.
Variant type: single nucleotide variant.
Coding change: c.682C>G on transcript NM_014679.5 (MANE Select); coding-DNA position 682, C replaced by G.
Protein change: p.Gln228Glu; replaces glutamine 228 with glutamic acid.
Molecular consequence: missense variant.
Genome position (GRCh38, 1-based): chr11:95,818,887, C>G. VCF-style: chr11-95818887-C-G. GRCh37 (hg19) VCF-style: chr11-95552051-C-G.
Other names: c.682C>G, p.Gln228Glu (NM_001440874.1, NM_001243777.2, NM_001440871.1); c.601C>G, p.Gln201Glu (NM_001440875.1, NM_001363604.2, NM_001440869.1 and 1 more transcripts); c.565C>G, p.Gln189Glu (NM_001440876.1, NM_001440879.1, NM_001440882.1 and 1 more transcripts); c.484C>G, p.Gln162Glu (NM_001440877.1, NM_001440878.1); c.421C>G, p.Gln141Glu (NM_001440880.1); c.385C>G, p.Gln129Glu (NM_001440881.1); c.655C>G, p.Gln219Glu (NM_001243776.2); c.502C>G, p.Gln168Glu (NM_001440873.1); short protein forms Q129E, Q141E, Q162E, Q168E, Q189E, Q201E, Q219E, Q228E.
Identifiers: ClinVar variation 4868776 (VCV004868776.1).
Genomic context (GRCh38, chr11:95,818,887, plus strand): 5'-AAAAAAATGCAAGAGTTGGAAGCAAAACTCCATGAAGAAGAACAGGAAAGGAAACGCATG[C>G]AAGCTAAGGCAGCTGAGGTAAGTTAAAATGTGAGAAAGTGGGCTCTTCATATTTCTTACC-3'
Protein context (NP_055494.2, residues 218-238): HEEEQERKRM[Gln228Glu]AKAAELQTGL